The following is an entry in ClinVar:

NM_017780.4(CHD7):c.3718A>C (p.Asn1240His)

Gene: CHD7 (chromodomain helicase DNA binding protein 7; plus strand). Cytogenetic location: 8q12.2.
Variant type: single nucleotide variant.
Coding change: c.3718A>C on transcript NM_017780.4 (MANE Select); coding-DNA position 3718, A replaced by C.
Protein change: p.Asn1240His; replaces asparagine 1240 with histidine.
Molecular consequence: missense variant. On other transcripts: intron variant (1).
Genome position (GRCh38, 1-based): chr8:60,830,517, A>C. VCF-style: chr8-60830517-A-C. GRCh37 (hg19) VCF-style: chr8-61743076-A-C.
Other names: c.1717-31712A>C (NM_001316690.1); short protein forms N1240H.
Identifiers: ClinVar variation 4086742 (VCV004086742.1).

ClinVar aggregate classification (germline): Uncertain significance (1 of 4 stars; one submission).

Submission:

GeneDx
Classification: Uncertain significance. Last evaluated: 2025-03-18. Review status: criteria provided, single submitter. Criteria: GeneDx Variant Classification Process June 2021. Collection method: clinical testing. Allele origin: germline. Affected: yes.
Comment: Not observed at significant frequency in large population cohorts (gnomAD); In silico analysis supports that this missense variant has a deleterious effect on protein structure/function; Has not been previously published as pathogenic or benign to our knowledge